The following is an entry in ClinVar:

NM_004793.4(LONP1):c.2484C>G (p.His828Gln)

Gene: LONP1 (lon peptidase 1, mitochondrial; minus strand). Cytogenetic location: 19p13.3.
Variant type: single nucleotide variant.
Coding change: c.2484C>G on transcript NM_004793.4 (MANE Select); coding-DNA position 2484, C replaced by G.
Protein change: p.His828Gln; replaces histidine 828 with glutamine.
Molecular consequence: missense variant. On other transcripts: non-coding transcript variant (1).
Genome position (GRCh38, 1-based): chr19:5,693,606, G>C on the plus strand (C>G on the coding strand, the complement: LONP1 is on the minus strand). VCF-style: chr19-5693606-G-C. GRCh37 (hg19) VCF-style: chr19-5693617-G-C.
Other names: c.2292C>G, p.His764Gln (NM_001276479.2); c.1896C>G, p.His632Gln (NM_001276480.1); short protein forms H828Q, H632Q, H764Q.
Identifiers: ClinVar variation 2749969 (VCV002749969.3), dbSNP rs200036075, ClinGen allele CA403526056.

ClinVar aggregate classification (germline): Uncertain significance (1 of 4 stars; one submission).

Submission:

Labcorp Genetics (formerly Invitae), Labcorp
Classification: Uncertain significance. Last evaluated: 2023-08-27. Review status: criteria provided, single submitter. Criteria: Invitae Variant Classification Sherloc (09022015). Collection method: clinical testing. Allele origin: germline.
Comment: In summary, the available evidence is currently insufficient to determine the role of this variant in disease. Therefore, it has been classified as a Variant of Uncertain Significance. Advanced modeling of protein sequence and biophysical properties (such as structural, functional, and spatial information, amino acid conservation, physicochemical variation, residue mobility, and thermodynamic stability) performed at Invitae indicates that this missense variant is not expected to disrupt LONP1 protein function. This variant has not been reported in the literature in individuals affected with LONP1-related conditions. This variant is not present in population databases (gnomAD no frequency). This sequence change replaces histidine, which is basic and polar, with glutamine, which is neutral and polar, at codon 828 of the LONP1 protein (p.His828Gln).